The following is an entry in ClinVar:

NM_000138.5(FBN1):c.1080T>G (p.Cys360Trp)

Genes: FBN1 (fibrillin 1; minus strand), LOC113939944 (Sharpr-MPRA regulatory region 9539; plus strand). Cytogenetic location: 15q21.1.
Variant type: single nucleotide variant.
Coding change: c.1080T>G on transcript NM_000138.5 (MANE Select); coding-DNA position 1080, T replaced by G.
Protein change: p.Cys360Trp; replaces cysteine 360 with tryptophan.
Molecular consequence: missense variant.
Genome position (GRCh38, 1-based): chr15:48,520,726, A>C on the plus strand (T>G on the coding strand, the complement: FBN1 is on the minus strand). VCF-style: chr15-48520726-A-C. GRCh37 (hg19) VCF-style: chr15-48812923-A-C.
Other names: c.1080T>G, p.Cys360Trp (NM_001406716.1); short protein forms C360W.
Identifiers: ClinVar variation 3773843 (VCV003773843.1).
Genomic context (GRCh38, chr15:48,520,726, plus strand): 5'-TCTGATGGGACACATCTCAGGGGCGACAGTGACCCCTGGAGACCAGCATCGGCCGGCATC[A>C]CAGCAGCACTGCATTTTGGTTATGGACTGTGGCAGCTGGTTAGAGCAGCGCCCGTTTGTC-3'
Protein context (NP_000129.3, residues 350-370): PQSITKMQCC[Cys360Trp]DAGRCWSPGV

ClinVar aggregate classification (germline): Likely pathogenic (1 of 4 stars; one submission).

Conditions:
FBN1-related disorder. Also called: FBN1-related disorders.

Submission:

Rady Children's Institute for Genomic Medicine, Rady Children's Hospital San Diego
Classification: Likely pathogenic for FBN1-Related Disorders. Last evaluated: 2024-10-17. Review status: criteria provided, single submitter. Criteria: ACMG Guidelines, 2015. Collection method: clinical testing. Allele origin: germline. Affected: yes.
Comment: Missense variation is an established mechanism of disease for FBN1-related disorders (PMID: 20301510). This variant has not been previously reported or functionally characterized in the literature to our knowledge. The c.1080T>G (p.Cys360Trp) variant affects a highly conserved amino acid and is predicted by multiple in silico tools to have a deleterious effect on protein function. Cysteine substitutions located in the TB domain, such as c.1080T>G (p.Cys360Trp), are a known cause of FBN1-related disorders (PMID: 20301510, 16571647, 17701892). The c.1080T>G (p.Cys360Trp) variant is absent from the latest version of the gnomAD population database and thus is presumed to be rare. Based on parental analysis, this variant likely occurred as a de novo event. Based on the available evidence, c.1080T>G (p.Cys360Trp) is classified as Likely Pathogenic.